The following is an entry in ClinVar:

NM_004609.4(TCF15):c.201C>G (p.Pro67=)

Gene: TCF15 (transcription factor 15; minus strand). Cytogenetic location: 20p13.
Variant type: single nucleotide variant.
Coding change: c.201C>G on transcript NM_004609.4 (MANE Select); coding-DNA position 201, C replaced by G.
Protein change: p.Pro67=; no amino-acid change (proline 67 retained).
Molecular consequence: synonymous variant.
Genome position (GRCh38, 1-based): chr20:610,037, G>C on the plus strand (C>G on the coding strand, the complement: TCF15 is on the minus strand). VCF-style: chr20-610037-G-C. GRCh37 (hg19) VCF-style: chr20-590681-G-C.
Identifiers: ClinVar variation 4873317 (VCV004873317.2).

ClinVar aggregate classification (germline): Likely benign (1 of 4 stars; one submission).

Submission:

CeGaT Center for Human Genetics Tuebingen
Classification: Likely benign. Last evaluated: 2026-05-01. Review status: criteria provided, single submitter. Criteria: CeGaT Center For Human Genetics Tuebingen Variant Classification Criteria Version 2. Collection method: clinical testing. Allele origin: germline. Affected: yes. Observed: 1 variant allele.
Comment: TCF15: PM2:Supporting, BP4, BP7